The following is an entry in ClinVar:

NM_000702.4(ATP1A2):c.1118C>G (p.Ser373Trp)

Gene: ATP1A2 (ATPase Na+/K+ transporting subunit alpha 2; plus strand). Cytogenetic location: 1q23.2.
Variant type: single nucleotide variant.
Coding change: c.1118C>G on transcript NM_000702.4 (MANE Select); coding-DNA position 1118, C replaced by G.
Protein change: p.Ser373Trp; replaces serine 373 with tryptophan.
Molecular consequence: missense variant.
Genome position (GRCh38, 1-based): chr1:160,128,752, C>G. VCF-style: chr1-160128752-C-G. GRCh37 (hg19) VCF-style: chr1-160098542-C-G.
Other names: short protein forms S373W.
Identifiers: ClinVar variation 3063682 (VCV003063682.1), dbSNP rs1651665360, ClinGen allele CA343239449.

ClinVar aggregate classification (germline): Uncertain significance (1 of 4 stars; one submission).

Submission:

Women's Health and Genetics/Laboratory Corporation of America, LabCorp
Classification: Uncertain significance. Last evaluated: 2024-01-26. Review status: criteria provided, single submitter. Criteria: LabCorp Variant Classification Summary - May 2015. Collection method: clinical testing. Allele origin: germline.
Comment: Variant summary: ATP1A2 c.1118C>G (p.Ser373Trp) results in a non-conservative amino acid change located in the P-type ATPase, haloacid dehalogenase domain (IPR044492) of the encoded protein sequence. Five of five in-silico tools predict a damaging effect of the variant on protein function. The variant was absent in 251460 control chromosomes. The available data on variant occurrences in the general population are insufficient to allow any conclusion about variant significance. To our knowledge, no occurrence of c.1118C>G in individuals affected with Alternating Hemiplegia Of Childhood 1 and no experimental evidence demonstrating its impact on protein function have been reported. No submitters have cited clinical-significance assessments for this variant to ClinVar. Based on the evidence outlined above, the variant was classified as uncertain significance.